The following is an entry in ClinVar:

ClinVar aggregate classification (germline): Uncertain significance (1 of 4 stars; one submission).

Submission:

Labcorp Genetics (formerly Invitae), Labcorp
Classification: Uncertain significance. Last evaluated: 2022-03-02. Review status: criteria provided, single submitter. Criteria: Invitae Variant Classification Sherloc (09022015). Collection method: clinical testing. Allele origin: germline.
Comment: In summary, the available evidence is currently insufficient to determine the role of this variant in disease. Therefore, it has been classified as a Variant of Uncertain Significance. Algorithms developed to predict the effect of missense changes on protein structure and function are either unavailable or do not agree on the potential impact of this missense change (SIFT: "Not Available"; PolyPhen-2: "Possibly Damaging"; Align-GVGD: "Not Available"). This variant has not been reported in the literature in individuals affected with IDH3B-related conditions. This variant is not present in population databases (gnomAD no frequency). This sequence change replaces aspartic acid with glutamic acid at codon 159 of the IDH3B protein (p.Asp159Glu). The aspartic acid residue is highly conserved and there is a small physicochemical difference between aspartic acid and glutamic acid.

NM_006899.5(IDH3B):c.477C>G (p.Asp159Glu)

Gene: IDH3B (isocitrate dehydrogenase (NAD(+)) 3 non-catalytic subunit beta; minus strand). Cytogenetic location: 20p13.
Variant type: single nucleotide variant.
Coding change: c.477C>G on transcript NM_006899.5 (MANE Select); coding-DNA position 477, C replaced by G.
Protein change: p.Asp159Glu; replaces aspartic acid 159 with glutamic acid.
Molecular consequence: missense variant. On other transcripts: non-coding transcript variant (1).
Genome position (GRCh38, 1-based): chr20:2,660,751, G>C on the plus strand (C>G on the coding strand, the complement: IDH3B is on the minus strand). VCF-style: chr20-2660751-G-C. GRCh37 (hg19) VCF-style: chr20-2641397-G-C.
Other names: c.477C>G, p.Asp159Glu (NM_001258384.3, NM_001330763.2, NM_174855.4); short protein forms D159E.
Identifiers: ClinVar variation 1376526 (VCV001376526.6), dbSNP rs1191814851, ClinGen allele CA408038412.